The following is an entry in ClinVar:

ClinVar aggregate classification (germline): Conflicting classifications of pathogenicity. Review status: criteria provided, conflicting classifications (1 of 4 stars). 2 submissions from 2 submitters: Pathogenic (1); Uncertain significance (1). Last evaluated 2025-05-13.

Conditions:
Spongy degeneration of central nervous system. Also called: ACY2 DEFICIENCY; AMINOACYLASE 2 DEFICIENCY; ASP DEFICIENCY; ASPA DEFICIENCY; ASPARTOACYLASE DEFICIENCY; CANAVAN-VAN BOGAERT-BERTRAND DISEASE. Identifiers: Orphanet 141, MedGen C0206307, MONDO:0010079, OMIM 271900.

gnomAD v4.1: 3 of 1,614,178 alleles (0.00019%); highest among the groups gnomAD compares: Non-Finnish European, 0.000085%; no homozygotes.

Submissions (2):

Women's Health and Genetics/Laboratory Corporation of America, LabCorp
Classification: Uncertain significance. Last evaluated: 2025-05-13. Review status: criteria provided, single submitter. Criteria: LabCorp Variant Classification Summary - May 2015. Collection method: clinical testing. Allele origin: germline.
Comment: Variant summary: ASPA c.88C>G (p.Leu30Val) results in a conservative amino acid change in the encoded protein sequence. Algorithms developed to predict the effect of missense changes on protein structure and function are either unavailable or do not agree on the potential impact of this missense change. The variant allele was found at a frequency of 1.9e-06 in 1607204 control chromosomes. c.88C>G has been observed in at least one compound heterozygous individual affected with a milder form of Canavan Disease (Delaney_2015). These data do not allow any conclusion about variant significance. A different variant affecting the same codon has been classified as likely pathogenic by our lab (c.89T>C, p.L30P), supporting the critical relevance of codon 30 to ASPA protein function. To our knowledge, no experimental evidence demonstrating an impact on protein function has been reported. The following publication have been ascertained in the context of this evaluation (PMID: 25497124). ClinVar contains an entry for this variant (Variation ID: 2907504). Based on the evidence outlined above, the variant was classified as VUS-possibly pathogenic.

Labcorp Genetics (formerly Invitae), Labcorp
Classification: Pathogenic for Spongy degeneration of central nervous system. Last evaluated: 2023-05-08. Review status: criteria provided, single submitter. Criteria: Invitae Variant Classification Sherloc (09022015). Collection method: clinical testing. Allele origin: germline.
Comment: For these reasons, this variant has been classified as Pathogenic. This variant disrupts the p.Leu30 amino acid residue in ASPA. Other variant(s) that disrupt this residue have been determined to be pathogenic (PMID: 28101991). This suggests that this residue is clinically significant, and that variants that disrupt this residue are likely to be disease-causing. Advanced modeling of protein sequence and biophysical properties (such as structural, functional, and spatial information, amino acid conservation, physicochemical variation, residue mobility, and thermodynamic stability) performed at Invitae indicates that this missense variant is expected to disrupt ASPA protein function. This missense change has been observed in individual(s) with Canavan disease (PMID: 25497124). This variant is not present in population databases (gnomAD no frequency). This sequence change replaces leucine, which is neutral and non-polar, with valine, which is neutral and non-polar, at codon 30 of the ASPA protein (p.Leu30Val).

Literature cited by the submitters: PubMed 25497124 (cited by Women's Health and Genetics/Laboratory Corporation of America, LabCorp and Labcorp Genetics (formerly Invitae), Labcorp); PubMed 28101991 (cited by Labcorp Genetics (formerly Invitae), Labcorp).

NM_000049.4(ASPA):c.88C>G (p.Leu30Val)

Genes: SPATA22 (spermatogenesis associated 22; minus strand), ASPA (aspartoacylase; plus strand). Cytogenetic location: 17p13.2.
Variant type: single nucleotide variant.
Coding change: c.88C>G on transcript NM_000049.4 (MANE Select); coding-DNA position 88, C replaced by G.
Protein change: p.Leu30Val; replaces leucine 30 with valine.
Molecular consequence: missense variant. On other transcripts: intron variant (2).
Genome position (GRCh38, 1-based): chr17:3,476,247, C>G. VCF-style: chr17-3476247-C-G. GRCh37 (hg19) VCF-style: chr17-3379541-C-G.
Other names: c.88C>G, p.Leu30Val (NM_001128085.1); c.-73-6849G>C (NM_001321336.2, NM_001321337.2); short protein forms L30V.
Identifiers: ClinVar variation 2907504 (VCV002907504.3), dbSNP rs2073520755, ClinGen allele CA397681185.